The following is an entry in ClinVar:

ClinVar aggregate classification (germline): Uncertain significance (1 of 4 stars; one submission).

Allele frequency attached by ClinVar (database versions not stated): TOPMed below 0.00001; gnomAD 0.00003.
gnomAD v4.1: 5 of 1,613,930 alleles (0.00031%); highest among the groups gnomAD compares: Admixed American, 0.0083%; no homozygotes.

Submission:

Labcorp Genetics (formerly Invitae), Labcorp
Classification: Uncertain significance. Last evaluated: 2022-04-09. Review status: criteria provided, single submitter. Criteria: Invitae Variant Classification Sherloc (09022015). Collection method: clinical testing. Allele origin: germline.
Comment: This sequence change affects codon 171 of the C6 mRNA. It is a 'silent' change, meaning that it does not change the encoded amino acid sequence of the C6 protein. This variant is not present in population databases (gnomAD no frequency). This variant has not been reported in the literature in individuals affected with C6-related conditions. Algorithms developed to predict the effect of sequence changes on RNA splicing suggest that this variant may create or strengthen a splice site. In summary, the available evidence is currently insufficient to determine the role of this variant in disease. Therefore, it has been classified as a Variant of Uncertain Significance.

NM_000065.5(C6):c.511A>C (p.Arg171=)

Gene: C6 (complement C6; minus strand). Cytogenetic location: 5p13.1.
Variant type: single nucleotide variant.
Coding change: c.511A>C on transcript NM_000065.5 (MANE Select); coding-DNA position 511, A replaced by C.
Protein change: p.Arg171=; no amino-acid change (arginine 171 retained).
Molecular consequence: synonymous variant.
Genome position (GRCh38, 1-based): chr5:41,195,868, T>G on the plus strand (A>C on the coding strand, the complement: C6 is on the minus strand). VCF-style: chr5-41195868-T-G. GRCh37 (hg19) VCF-style: chr5-41195970-T-G.
Other names: c.511A>C, p.Arg171= (NM_001115131.4).
Identifiers: ClinVar variation 2123393 (VCV002123393.4), dbSNP rs1750575697, ClinGen allele CA443973764.